The following is an entry in ClinVar:

ClinVar aggregate classification (germline): Uncertain significance. Review status: criteria provided, multiple submitters, no conflicts (2 of 4 stars). 4 submissions from 4 submitters: Uncertain significance (4). Last evaluated 2025-08-21.

Conditions:
Inborn genetic diseases. Identifiers: MedGen C0950123, MeSH D030342.
Fanconi anemia (FA). Also called: Fanconi's anemia. Identifiers: Orphanet 84, MedGen C0015625, MeSH D005199, MONDO:0019391.

Allele frequency attached by ClinVar (database versions not stated): gnomAD exomes below 0.00001 and 0.00001; ExAC 0.00001; gnomAD 0.00002; TOPMed 0.00003.
gnomAD v4.1: 10 of 1,595,706 alleles (0.00063%); highest among the groups gnomAD compares: African/African-American, 0.0081%; no homozygotes.

Submissions (4):

Labcorp Genetics (formerly Invitae), Labcorp
Classification: Uncertain significance for Fanconi anemia. Last evaluated: 2025-08-21. Review status: criteria provided, single submitter. Criteria: Invitae Variant Classification Sherloc (09022015). Collection method: clinical testing. Allele origin: germline.
Comment: This sequence change replaces isoleucine, which is neutral and non-polar, with valine, which is neutral and non-polar, at codon 608 of the FANCM protein (p.Ile608Val). This variant is present in population databases (rs761833981, gnomAD 0.004%). This variant has not been reported in the literature in individuals affected with FANCM-related conditions. ClinVar contains an entry for this variant (Variation ID: 1043345). An algorithm developed to predict the effect of missense changes on protein structure and function outputs the following: PolyPhen-2: "Benign". The valine amino acid residue is found in multiple mammalian species, which suggests that this missense change does not adversely affect protein function. In summary, the available evidence is currently insufficient to determine the role of this variant in disease. Therefore, it has been classified as a Variant of Uncertain Significance.

Ambry Genetics
Classification: Uncertain significance for Inborn genetic diseases. Last evaluated: 2025-07-08. Review status: criteria provided, single submitter. Criteria: Ambry Variant Classification Scheme 2023. Collection method: clinical testing. Allele origin: germline.

Quest Diagnostics Nichols Institute San Juan Capistrano
Classification: Uncertain significance. Last evaluated: 2025-03-21. Review status: criteria provided, single submitter. Criteria: Quest Diagnostics criteria. Collection method: clinical testing. Allele origin: unknown.
Comment: The FANCM c.1822A>G (p.Ile608Val) variant has been identified in the published literature in reportedly healthy individuals in a large scale breast cancer association study (PMID: 33471991 (2021), see also LOVD). The frequency of this variant in the general population (Genome Aggregation Database) is uninformative in the assessment of its pathogenicity. Analysis of this variant using bioinformatics tools for the prediction of the effect of amino acid changes on protein structure and function yielded predictions that this variant is benign. Based on the available information, we are unable to determine the clinical significance of this variant.

GeneDx
Classification: Uncertain significance. Last evaluated: 2024-06-05. Review status: criteria provided, single submitter. Criteria: GeneDx Variant Classification Process June 2021. Collection method: clinical testing. Allele origin: germline. Affected: yes.
Comment: Not observed at significant frequency in large population cohorts (gnomAD); In silico analysis indicates that this missense variant does not alter protein structure/function; Has not been previously published as pathogenic or benign to our knowledge

Literature cited by the submitters: PubMed 33471991 (cited by Quest Diagnostics Nichols Institute San Juan Capistrano).

NM_020937.4(FANCM):c.1822A>G (p.Ile608Val)

Gene: FANCM (FA complementation group M; plus strand). Cytogenetic location: 14q21.2.
Variant type: single nucleotide variant.
Coding change: c.1822A>G on transcript NM_020937.4 (MANE Select); coding-DNA position 1822, A replaced by G.
Protein change: p.Ile608Val; replaces isoleucine 608 with valine.
Molecular consequence: missense variant.
Genome position (GRCh38, 1-based): chr14:45,166,983, A>G. VCF-style: chr14-45166983-A-G. GRCh37 (hg19) VCF-style: chr14-45636186-A-G.
Other names: c.1822A>G (NM_020937.3); c.1744A>G, p.Ile582Val (NM_001308133.2); c.1822A>G, p.Ile608Val (NM_001308134.2); short protein forms I582V, I608V.
Identifiers: ClinVar variation 1043345 (VCV001043345.14), dbSNP rs761833981, ClinGen allele CA7169167.
Genomic context (GRCh38, chr14:45,166,983, plus strand): 5'-TCTGACATTTTCTATTTGTTTTTACAGATTTATAATCAGAGTCAGTCCAACAAAAGAAGT[A>G]TATATAAAGCTATTTCAAGTAACAGGCAGGTCCTTCATTTTTACCAAAGAAGTCCACGAA-3'
Protein context (NP_065988.1, residues 598-618): YNQSQSNKRS[Ile608Val]YKAISSNRQV